The following is an entry in ClinVar:

NM_198578.4(LRRK2):c.4971G>C (p.Gln1657His)

Gene: LRRK2 (leucine rich repeat kinase 2; plus strand). Cytogenetic location: 12q12.
Variant type: single nucleotide variant.
Coding change: c.4971G>C on transcript NM_198578.4 (MANE Select); coding-DNA position 4971, G replaced by C.
Protein change: p.Gln1657His; replaces glutamine 1657 with histidine.
Molecular consequence: missense variant.
Genome position (GRCh38, 1-based): chr12:40,320,131, G>C. VCF-style: chr12-40320131-G-C. GRCh37 (hg19) VCF-style: chr12-40713933-G-C.
Other names: short protein forms Q1657H.
Identifiers: ClinVar variation 1744472 (VCV001744472.2), dbSNP rs2499873887, ClinGen allele CA384419700.

ClinVar aggregate classification (germline): Uncertain significance (1 of 4 stars; one submission).

Conditions:
Inborn genetic diseases. Identifiers: MedGen C0950123, MeSH D030342.

Submission:

Ambry Genetics
Classification: Uncertain significance for Inborn genetic diseases. Last evaluated: 2021-07-25. Review status: criteria provided, single submitter. Criteria: Ambry Variant Classification Scheme 2023. Collection method: clinical testing. Allele origin: germline.
Comment: The p.Q1657H variant (also known as c.4971G>C), located in coding exon 34 of the LRRK2 gene, results from a G to C substitution at nucleotide position 4971. The glutamine at codon 1657 is replaced by histidine, an amino acid with highly similar properties. This amino acid position is conserved. In addition, this alteration is predicted to be deleterious by in silico analysis. Since supporting evidence is limited at this time, the clinical significance of this alteration remains unclear.